The following is an entry in ClinVar:

NM_001374736.1(DST):c.17287A>G (p.Ile5763Val)

Gene: DST (dystonin; minus strand). Cytogenetic location: 6p12.1.
Variant type: single nucleotide variant.
Coding change: c.17287A>G on transcript NM_001374736.1 (MANE Select); coding-DNA position 17287, A replaced by G.
Protein change: p.Ile5763Val; replaces isoleucine 5763 with valine.
Molecular consequence: missense variant. On other transcripts: intron variant (2).
Genome position (GRCh38, 1-based): chr6:56,529,756, T>C on the plus strand (A>G on the coding strand, the complement: DST is on the minus strand). VCF-style: chr6-56529756-T-C. GRCh37 (hg19) VCF-style: chr6-56394554-T-C.
Other names: c.10930A>G, p.Ile3644Val (NM_001144769.5); c.10516A>G, p.Ile3506Val (NM_001144770.2); c.17287A>G, p.Ile5763Val (NM_001374722.1); c.17314A>G, p.Ile5772Val (NM_001374734.1); c.10396A>G, p.Ile3466Val (NM_001386100.1, NM_183380.4); c.9418A>G, p.Ile3140Val (NM_015548.5); c.10377+218A>G (NM_001374730.1); c.16635+218A>G (NM_001374729.1); short protein forms I5763V, I3466V, I5772V, I3140V, I3506V, I3644V.
Identifiers: ClinVar variation 1789799 (VCV001789799.7), dbSNP rs1024051641, ClinGen allele CA139190346.

ClinVar aggregate classification (germline): Uncertain significance. Review status: criteria provided, multiple submitters, no conflicts (2 of 4 stars). 2 submissions from 2 submitters: Uncertain significance (2). Last evaluated 2022-08-22.

Conditions:
Inborn genetic diseases. Identifiers: MedGen C0950123, MeSH D030342.
Epidermolysis bullosa simplex 3, localized or generalized intermediate, with BP230 deficiency (EBS3). Also called: Epidermolysis bullosa simplex, autosomal recessive 2; Epidermolysis bullosa simplex due to BP230 deficiency. Identifiers: Orphanet 412181, MedGen C3809470, MONDO:0014180, OMIM 615425.
Hereditary sensory and autonomic neuropathy type 6. Also called: HSAN VI; Neuropathy, hereditary sensory and autonomic, type VI. Identifiers: Orphanet 314381, MedGen C3539003, MONDO:0013839, OMIM 614653.

Allele frequency attached by ClinVar (database versions not stated): gnomAD 0.00001; gnomAD exomes 0.00001; TOPMed 0.00001.
gnomAD v4.1: 6 of 1,584,812 alleles (0.00038%); highest among the groups gnomAD compares: Non-Finnish European, 0.00051%; no homozygotes.

Submissions (2):

Labcorp Genetics (formerly Invitae), Labcorp
Classification: Uncertain significance for Epidermolysis bullosa simplex 3, localized or generalized intermediate, with BP230 deficiency; Hereditary sensory and autonomic neuropathy type 6. Last evaluated: 2022-08-22. Review status: criteria provided, single submitter. Criteria: Invitae Variant Classification Sherloc (09022015). Collection method: clinical testing. Allele origin: germline.
Comment: This variant is present in population databases (no rsID available, gnomAD 0.001%). In summary, the available evidence is currently insufficient to determine the role of this variant in disease. Therefore, it has been classified as a Variant of Uncertain Significance. Experimental studies and prediction algorithms are not available or were not evaluated, and the functional significance of this variant is currently unknown. This variant has not been reported in the literature in individuals affected with DST-related conditions. This sequence change replaces isoleucine, which is neutral and non-polar, with valine, which is neutral and non-polar, at codon 3140 of the DST protein (p.Ile3140Val). The DST gene has multiple clinically relevant transcripts. This variant occurs in alternate transcript NM_015548.4, and corresponds to NM_001723.5:c.*85761A>G in the primary transcript.

Ambry Genetics
Classification: Uncertain significance for Inborn genetic diseases. Last evaluated: 2021-11-12. Review status: criteria provided, single submitter. Criteria: Ambry Variant Classification Scheme 2023. Collection method: clinical testing. Allele origin: germline.
Comment: The p.I3644V variant (also known as c.10930A>G), located in coding exon 60 of the DST gene, results from an A to G substitution at nucleotide position 10930. The isoleucine at codon 3644 is replaced by valine, an amino acid with highly similar properties. This amino acid position is not well conserved in available vertebrate species, and threonine is the reference amino acid in other vertebrate species. In addition, this alteration is predicted to be tolerated by in silico analysis. Since supporting evidence is limited at this time, the clinical significance of this alteration remains unclear.